The following is an entry in ClinVar:

ClinVar aggregate classification (germline): Uncertain significance (1 of 4 stars; one submission).

Conditions:
Immunodeficiency. Identifiers: MedGen C0021051, MONDO:0021094, HP:0002721.

Allele frequency attached by ClinVar (database versions not stated): ExAC 0.00002; gnomAD exomes 0.00001; TOPMed 0.00001.
gnomAD v4.1: 9 of 1,606,712 alleles (0.00056%); highest among the groups gnomAD compares: Non-Finnish European, 0.00076%; 1 homozygote.

Submission:

Labcorp Genetics (formerly Invitae), Labcorp
Classification: Uncertain significance for Immunodeficiency. Last evaluated: 2025-06-29. Review status: criteria provided, single submitter. Criteria: Invitae Variant Classification Sherloc (09022015). Collection method: clinical testing. Allele origin: germline.
Comment: This sequence change replaces isoleucine, which is neutral and non-polar, with valine, which is neutral and non-polar, at codon 371 of the NFAT5 protein (p.Ile371Val). This variant is present in population databases (rs762792190, gnomAD 0.004%). This variant has not been reported in the literature in individuals affected with NFAT5-related conditions. ClinVar contains an entry for this variant (Variation ID: 2882410). An algorithm developed to predict the effect of missense changes on protein structure and function (PolyPhen-2) suggests that this variant is likely to be disruptive. In summary, the available evidence is currently insufficient to determine the role of this variant in disease. Therefore, it has been classified as a Variant of Uncertain Significance.

NM_138713.4(NFAT5):c.1393A>G (p.Ile465Val)

Gene: NFAT5 (nuclear factor of activated T cells 5; plus strand). Cytogenetic location: 16q22.1.
Variant type: single nucleotide variant.
Coding change: c.1393A>G on transcript NM_138713.4 (MANE Select); coding-DNA position 1393, A replaced by G.
Protein change: p.Ile465Val; replaces isoleucine 465 with valine.
Molecular consequence: missense variant.
Genome position (GRCh38, 1-based): chr16:69,670,000, A>G. VCF-style: chr16-69670000-A-G. GRCh37 (hg19) VCF-style: chr16-69703903-A-G.
Other names: c.1393A>G, p.Ile465Val (NM_001113178.3); c.721A>G, p.Ile241Val (NM_001367709.1); c.1339A>G, p.Ile447Val (NM_006599.4); c.1111A>G, p.Ile371Val (NM_138714.4, NM_173214.3, NM_173215.3); short protein forms I241V, I371V, I465V, I447V.
Identifiers: ClinVar variation 2882410 (VCV002882410.3), dbSNP rs762792190, ClinGen allele CA8135535.